The following is an entry in ClinVar:

ClinVar aggregate classification (germline): Uncertain significance (1 of 4 stars; one submission).

Allele frequency attached by ClinVar (database versions not stated): TOPMed below 0.00001; ExAC 0.00001.
gnomAD v4.1: 2 of 1,613,284 alleles (0.00012%); highest among the groups gnomAD compares: Non-Finnish European, 0.00017%; no homozygotes.

Submission:

Labcorp Genetics (formerly Invitae), Labcorp
Classification: Uncertain significance. Last evaluated: 2025-09-08. Review status: criteria provided, single submitter. Criteria: Invitae Variant Classification Sherloc (09022015). Collection method: clinical testing. Allele origin: germline.
Comment: This sequence change replaces glycine, which is neutral and non-polar, with arginine, which is basic and polar, at codon 2062 of the VPS13D protein (p.Gly2062Arg). This variant is present in population databases (rs757703441, gnomAD 0.0009%). This variant has not been reported in the literature in individuals affected with VPS13D-related conditions. ClinVar contains an entry for this variant (Variation ID: 1964979). Invitae Evidence Modeling of protein sequence and biophysical properties (such as structural, functional, and spatial information, amino acid conservation, physicochemical variation, residue mobility, and thermodynamic stability) has been performed for this missense variant. However, the output from this modeling did not meet the statistical confidence thresholds required to predict the impact of this variant on VPS13D protein function. In summary, the available evidence is currently insufficient to determine the role of this variant in disease. Therefore, it has been classified as a Variant of Uncertain Significance.

NM_015378.4(VPS13D):c.6184G>C (p.Gly2062Arg)

Gene: VPS13D (vacuolar protein sorting 13 homolog D; plus strand). Cytogenetic location: 1p36.22.
Variant type: single nucleotide variant.
Coding change: c.6184G>C on transcript NM_015378.4 (MANE Select); coding-DNA position 6184, G replaced by C.
Protein change: p.Gly2062Arg; replaces glycine 2062 with arginine.
Molecular consequence: missense variant.
Genome position (GRCh38, 1-based): chr1:12,299,352, G>C. VCF-style: chr1-12299352-G-C. GRCh37 (hg19) VCF-style: chr1-12359409-G-C.
Other names: c.6184G>C, p.Gly2062Arg (NM_018156.4); short protein forms G2062R.
Identifiers: ClinVar variation 1964979 (VCV001964979.5), dbSNP rs757703441, ClinGen allele CA602524.